The following is an entry in ClinVar:

ClinVar aggregate classification (germline): Pathogenic. Review status: criteria provided, multiple submitters, no conflicts (2 of 4 stars). 3 submissions from 3 submitters: Pathogenic (3). Last evaluated 2024-06-11.

Conditions:
Hereditary nonpolyposis colorectal neoplasms. Identifiers: MedGen C0009405, MeSH D003123.
Lynch syndrome 5 (LYNCH5). Also called: Colorectal cancer, hereditary nonpolyposis, type 5; Hereditary non-polyposis colorectal cancer, type 5. Identifiers: Orphanet 144, MedGen C1833477, MONDO:0013710, OMIM 614350. Disease mechanism: loss of function.
Hereditary cancer-predisposing syndrome. Also called: Neoplastic Syndromes, Hereditary; Hereditary Cancer Syndrome; Tumor predisposition; Hereditary neoplastic syndrome. Identifiers: Orphanet 140162, MedGen C0027672, MeSH D009386, MONDO:0015356.

Submissions (3):

Labcorp Genetics (formerly Invitae), Labcorp
Classification: Pathogenic for Hereditary nonpolyposis colorectal neoplasms. Last evaluated: 2024-06-11. Review status: criteria provided, single submitter. Criteria: Invitae Variant Classification Sherloc (09022015). Collection method: clinical testing. Allele origin: germline.
Comment: This sequence change creates a premature translational stop signal (p.Glu1311Lysfs*16) in the MSH6 gene. While this is not anticipated to result in nonsense mediated decay, it is expected to disrupt the last 50 amino acid(s) of the MSH6 protein. This variant is not present in population databases (gnomAD no frequency). This variant has not been reported in the literature in individuals affected with MSH6-related conditions. ClinVar contains an entry for this variant (Variation ID: 582958). This variant disrupts a region of the MSH6 protein in which other variant(s) (p.Leu1330Valfs*12) have been determined to be pathogenic (PMID: 19851887, 21155762). This suggests that this is a clinically significant region of the protein, and that variants that disrupt it are likely to be disease-causing. For these reasons, this variant has been classified as Pathogenic.

Myriad Genetics, Inc.
Classification: Pathogenic for Lynch syndrome 5. Last evaluated: 2023-08-28. Review status: criteria provided, single submitter. Criteria: Myriad Autosomal Dominant, Autosomal Recessive and X-Linked Classification Criteria (2023). Collection method: clinical testing. Allele origin: unknown.
Comment: This variant is considered pathogenic. This variant creates a frameshift predicted to result in premature protein truncation.

Ambry Genetics
Classification: Pathogenic for Hereditary cancer-predisposing syndrome. Last evaluated: 2021-03-09. Review status: criteria provided, single submitter. Criteria: Ambry Variant Classification Scheme 2023. Collection method: clinical testing. Allele origin: germline.
Comment: The c.3931delG pathogenic mutation, located in coding exon 9 of the MSH6 gene, results from a deletion of one nucleotide at nucleotide position 3931, causing a translational frameshift with a predicted alternate stop codon (p.E1311Kfs*16). This variant was not reported in population-based cohorts in the Genome Aggregation Database (gnomAD). This alteration occurs at the 3' terminus of theMSH6 gene, is not expected to trigger nonsense-mediated mRNA decay, and only impacts the last 50 AA of the protein. However, premature stop codons are typically deleterious in nature and the impacted region is critical for protein function (Ambry internal data). Based on the supporting evidence, this alteration is interpreted as a disease-causing mutation.

Literature cited by the submitters: PubMed 19851887 (cited by Labcorp Genetics (formerly Invitae), Labcorp); PubMed 21155762 (cited by Labcorp Genetics (formerly Invitae), Labcorp).

NM_000179.3(MSH6):c.3931del (p.Glu1311fs)

Gene: MSH6 (mutS homolog 6; plus strand). Cytogenetic location: 2p16.3.
Variant type: Deletion.
Coding change: c.3931del on transcript NM_000179.3 (MANE Select); coding-DNA position 3931, one base deleted (G; older notation c.3931delG).
Protein change: p.Glu1311fs; shifts the reading frame from glutamic acid 1311.
Molecular consequence: frameshift variant.
Genome position (GRCh38, 1-based): chr2:47,806,581, G deleted; the last of 2 consecutive G bases (chr2:47,806,580-47,806,581); deleting either gives the same sequence. VCF-style (leftmost placement, unchanged base first): chr2-47806579-AG-A. GRCh37 (hg19) VCF-style: chr2-48033718-AG-A.
Other names: c.3541del, p.Glu1181fs (NM_001281492.2); c.3025del, p.Glu1009fs (NM_001281493.2, NM_001281494.2); c.3931delG (NM_000179.2); short protein forms E1311fs, E1181fs, E1009fs.
Identifiers: ClinVar variation 582958 (VCV000582958.12), dbSNP rs1558394093, ClinGen allele CA891843283.